The following is an entry in ClinVar:

NM_001267550.2(TTN):c.56129dup (p.Val18711fs)

Genes: TTN (titin; minus strand), TTN-AS1 (TTN antisense RNA 1; plus strand). Cytogenetic location: 2q31.2.
Variant type: Duplication.
Coding change: c.56129dup on transcript NM_001267550.2 (MANE Select); coding-DNA position 56129, one base duplicated (G; older notation c.56129dupG).
Protein change: p.Val18711fs; shifts the reading frame from valine 18711.
Molecular consequence: frameshift variant.
Genome position (GRCh38, 1-based): chr2:178,599,772, C duplicated on the plus strand (G on the coding strand, the reverse complement: TTN is on the minus strand); the first of 2 consecutive C bases (chr2:178,599,772-178,599,773); duplicating either gives the same sequence. VCF-style (leftmost placement, unchanged base first): chr2-178599771-A-AC. GRCh37 (hg19) VCF-style: chr2-179464498-A-AC.
Other names: c.51206dup, p.Val17070fs (NM_001256850.1); c.28934dup, p.Val9646fs (NM_003319.4); c.48425dup, p.Val16143fs (NM_133378.4); c.29309dup, p.Val9771fs (NM_133432.3); c.29510dup, p.Val9838fs (NM_133437.4); short protein forms V16143fs, V17070fs, V18711fs, V9646fs, V9771fs, V9838fs.
Identifiers: ClinVar variation 3759405 (VCV003759405.2).

ClinVar aggregate classification (germline): Likely pathogenic (1 of 4 stars; one submission).

Conditions:
Dilated cardiomyopathy 1G (CMD1G). Identifiers: Orphanet 154, MedGen C1858763, MONDO:0011400, OMIM 604145.
Autosomal recessive limb-girdle muscular dystrophy type 2J (LGMDR10). Also called: Limb-girdle muscular dystrophy, type 2J; MUSCULAR DYSTROPHY, LIMB-GIRDLE, AUTOSOMAL RECESSIVE 10. Identifiers: Orphanet 140922, MedGen C1837342, MONDO:0012127, OMIM 608807.

Submission:

Labcorp Genetics (formerly Invitae), Labcorp
Classification: Likely pathogenic for Dilated cardiomyopathy 1G; Autosomal recessive limb-girdle muscular dystrophy type 2J. Last evaluated: 2024-10-09. Review status: criteria provided, single submitter. Criteria: Invitae Variant Classification Sherloc (09022015). Collection method: clinical testing. Allele origin: germline.
Comment: This sequence change creates a premature translational stop signal (p.Val18711Cysfs*10) in the TTN gene. While this is not anticipated to result in nonsense mediated decay, it is expected to create a truncated TTN protein. This variant is not present in population databases (gnomAD no frequency). This variant has not been reported in the literature in individuals affected with TTN-related conditions. This variant is located in the A band of TTN (PMID: 25589632). Truncating variants in this region are significantly overrepresented in patients affected with dilated cardiomyopathy (PMID: 25589632). Truncating variants in this region have also been reported in individuals affected with autosomal recessive centronuclear myopathy (PMID: 23975875). In summary, the currently available evidence indicates that the variant is pathogenic, but additional data are needed to prove that conclusively. Therefore, this variant has been classified as Likely Pathogenic.

Literature cited by the submitters: PubMed 25589632; PubMed 23975875.